The following is an entry in ClinVar:

ClinVar aggregate classification (germline): Likely benign. Review status: criteria provided, single submitter (1 of 4 stars). 2 submissions from 2 submitters: Likely benign (1). 1 of the submissions does not count toward it. Last evaluated 2025-02-06.

Conditions:
REST-related disorder. Also called: REST-related condition.

Allele frequency attached by ClinVar (database versions not stated): gnomAD exomes 0.00001; ExAC 0.00002; gnomAD 0.00007; ESP Exome Variant Server 0.00008; TOPMed 0.00008.
gnomAD v4.1: 17 of 1,606,588 alleles (0.0011%); highest among the groups gnomAD compares: African/African-American, 0.022%; no homozygotes.

Submissions (2):

Labcorp Genetics (formerly Invitae), Labcorp
Classification: Likely benign. Last evaluated: 2025-02-06. Review status: criteria provided, single submitter. Criteria: Invitae Variant Classification Sherloc (09022015). Collection method: clinical testing. Allele origin: germline.

PreventionGenetics, part of Exact Sciences
Classification: Likely benign for REST-related condition. Last evaluated: 2022-06-15. Review status: no assertion criteria provided. Collection method: clinical testing. Allele origin: germline. Not counted in ClinVar's aggregate classification.
Comment: This variant is classified as likely benign based on ACMG/AMP sequence variant interpretation guidelines (Richards et al. 2015 PMID: 25741868, with internal and published modifications).

NM_005612.5(REST):c.1374T>C (p.Ala458=)

Gene: REST (RE1 silencing transcription factor; plus strand). Cytogenetic location: 4q12.
Variant type: single nucleotide variant.
Coding change: c.1374T>C on transcript NM_005612.5 (MANE Select); coding-DNA position 1374, T replaced by C.
Protein change: p.Ala458=; no amino-acid change (alanine 458 retained).
Molecular consequence: synonymous variant.
Genome position (GRCh38, 1-based): chr4:56,930,232, T>C. VCF-style: chr4-56930232-T-C. GRCh37 (hg19) VCF-style: chr4-57796398-T-C.
Other names: c.1374T>C, p.Ala458= (NM_001193508.2, NM_001363453.3).
Identifiers: ClinVar variation 3056774 (VCV003056774.3), dbSNP rs147318917, ClinGen allele CA2932257.
Genomic context (GRCh38, chr4:56,930,232, plus strand): 5'-TGATAATATTACCAATGAAAAAACAGAAATAGAACAAACAAAAATAAAAGGGGATGTGGC[T>C]GGAAAGAAAAATGAAAAGTCCGTCAAAGCAGAGAAAAGAGATGTCTCAAAAGAGAAAAAG-3'
Protein context (NP_005603.3, residues 448-468): IEQTKIKGDV[Ala458=]GKKNEKSVKA